The following is an entry in ClinVar:

ClinVar aggregate classification (germline): Uncertain significance (1 of 4 stars; one submission).

Conditions:
BDNF-related disorder. Also called: BDNF-related condition.

gnomAD v4.1: 3 of 1,565,146 alleles (0.00019%); highest among the groups gnomAD compares: Non-Finnish European, 0.00026%; no homozygotes.

Submission:

PreventionGenetics, part of Exact Sciences
Classification: Uncertain significance for BDNF-related condition. Last evaluated: 2026-04-28. Review status: criteria provided, single submitter. Criteria: ACMG Guidelines, 2015. Collection method: clinical testing. Allele origin: germline.
Comment: The BDNF c.10G>A variant is predicted to result in the amino acid substitution p.Ala4Thr. This variant is pre-coding in an alternative transcript NM_170735:c.-15711G>A. To our knowledge, this variant has not been reported in the literature. This variant is reported in 0.0029% of alleles in individuals of European (Non-Finnish) descent in gnomAD. At this time, the clinical significance of this variant is uncertain due to the absence of conclusive functional and genetic evidence.

NM_001709.5(BDNF):c.-21-15690G>A

Genes: BDNF (brain derived neurotrophic factor; minus strand), BDNF-AS (BDNF antisense RNA; plus strand). Cytogenetic location: 11p14.1.
Variant type: single nucleotide variant.
Coding change: c.-21-15690G>A on transcript NM_001709.5 (MANE Select); 15690 bases into the intron before 21 bases upstream of the start codon, G replaced by A.
Molecular consequence: intron variant. On other transcripts: missense variant (1), 5 prime UTR variant (1).
Genome position (GRCh38, 1-based): chr11:27,674,275, C>T on the plus strand (G>A on the coding strand, the complement: BDNF is on the minus strand). VCF-style: chr11-27674275-C-T. GRCh37 (hg19) VCF-style: chr11-27695822-C-T.
Other names: c.10G>A, p.Ala4Thr (NM_001143810.2); c.-354G>A (NM_001143811.2); c.4-15690G>A (NM_170731.5); c.-21-15690G>A (NM_001143805.1, NM_001143806.1, NM_170732.4 and 5 more transcripts); c.67-15690G>A (NM_001143809.2); c.-128-15349G>A (NM_001143814.2); c.25-15690G>A (NM_170734.4); short protein forms A4T.
Identifiers: ClinVar variation 4995892 (VCV004995892.1).